The following is an entry in ClinVar:

ClinVar aggregate classification (germline): Uncertain significance (1 of 4 stars; one submission).

gnomAD v4.1: 4 of 1,611,972 alleles (0.00025%); highest among the groups gnomAD compares: Non-Finnish European, 0.00034%; no homozygotes.

Submission:

GeneDx
Classification: Uncertain significance. Last evaluated: 2025-04-01. Review status: criteria provided, single submitter. Criteria: GeneDx Variant Classification Process June 2021. Collection method: clinical testing. Allele origin: germline. Affected: yes.
Comment: Not observed at significant frequency in large population cohorts (gnomAD); In silico analysis indicates that this missense variant does not alter protein structure/function; Has not been previously published as pathogenic or benign to our knowledge

NM_001369387.1(GNAL):c.49G>A (p.Asp17Asn)

Gene: GNAL (G protein subunit alpha L; plus strand). Cytogenetic location: 18p11.21.
Variant type: single nucleotide variant.
Coding change: c.49G>A on transcript NM_001369387.1 (MANE Plus Clinical); coding-DNA position 49, G replaced by A.
Protein change: p.Asp17Asn; replaces aspartic acid 17 with asparagine.
Molecular consequence: missense variant. On other transcripts: intron variant (1).
Genome position (GRCh38, 1-based): chr18:11,752,482, G>A. VCF-style: chr18-11752482-G-A. GRCh37 (hg19) VCF-style: chr18-11752481-G-A.
Other names: c.49G>A, p.Asp17Asn (NM_001142339.3, NM_001261443.2); c.377-371G>A (NM_182978.4); short protein forms D17N.
Identifiers: ClinVar variation 4278601 (VCV004278601.1).
Genomic context (GRCh38, chr18:11,752,482, plus strand): 5'-CAGCGGGCAGGCATGGGGTGTTTGGGCGGCAACAGCAAGACGACGGAAGACCAGGGCGTC[G>A]ATGAAAAAGAACGACGCGAGGCCAACAAAAAGATCGAGAAGCAGTTGCAGAAAGAGCGCC-3'
Protein context (NP_001356316.1, residues 7-27): NSKTTEDQGV[Asp17Asn]EKERREANKK